The following is an entry in ClinVar:

ClinVar aggregate classification (germline): Uncertain significance. Review status: criteria provided, multiple submitters, no conflicts (2 of 4 stars). 2 submissions from 2 submitters: Uncertain significance (2). Last evaluated 2026-01-04.

Conditions:
Inborn genetic diseases. Identifiers: MedGen C0950123, MeSH D030342.
FHOD3-related disorder. Also called: FHOD3-related condition.

Allele frequency attached by ClinVar (database versions not stated): ExAC 0.00002; gnomAD 0.00003; TOPMed 0.00006.
gnomAD v4.1: 29 of 1,614,040 alleles (0.0018%); highest among the groups gnomAD compares: African/African-American, 0.0053%; no homozygotes.

Submissions (2):

PreventionGenetics, part of Exact Sciences
Classification: Uncertain significance for FHOD3-related condition. Last evaluated: 2026-01-04. Review status: criteria provided, single submitter. Criteria: ACMG Guidelines, 2015. Collection method: clinical testing. Allele origin: germline.
Comment: The FHOD3 c.4703G>A variant is predicted to result in the amino acid substitution p.Arg1568His. To our knowledge, this variant has not been reported in the literature. This variant is reported in 0.0029% of alleles in individuals of Latino descent in gnomAD. At this time, the clinical significance of this variant is uncertain due to the absence of conclusive functional and genetic evidence.

Ambry Genetics
Classification: Uncertain significance for Inborn genetic diseases. Last evaluated: 2025-10-29. Review status: criteria provided, single submitter. Criteria: Ambry Variant Classification Scheme 2023. Collection method: clinical testing. Allele origin: germline.

NM_001281740.3(FHOD3):c.4703G>A (p.Arg1568His)

Gene: FHOD3 (formin homology 2 domain containing 3; plus strand). Cytogenetic location: 18q12.2.
Variant type: single nucleotide variant.
Coding change: c.4703G>A on transcript NM_001281740.3 (MANE Select); coding-DNA position 4703, G replaced by A.
Protein change: p.Arg1568His; replaces arginine 1568 with histidine.
Molecular consequence: missense variant.
Genome position (GRCh38, 1-based): chr18:36,769,343, G>A. VCF-style: chr18-36769343-G-A. GRCh37 (hg19) VCF-style: chr18-34349306-G-A.
Other names: c.4703G>A (NM_001281740.2); c.4103G>A, p.Arg1368His (NM_001281739.3); c.4154G>A, p.Arg1385His (NM_025135.5); short protein forms R1568H, R1385H, R1368H.
Identifiers: ClinVar variation 2456356 (VCV002456356.4), dbSNP rs781253442, ClinGen allele CA8942449.